The following is an entry in ClinVar:

ClinVar aggregate classification (germline): Uncertain significance. Review status: criteria provided, multiple submitters, no conflicts (2 of 4 stars). 2 submissions from 2 submitters: Uncertain significance (2). Last evaluated 2025-10-07.

Conditions:
Hereditary cancer-predisposing syndrome. Also called: Neoplastic Syndromes, Hereditary; Tumor predisposition; Hereditary Cancer Syndrome; Hereditary neoplastic syndrome. Identifiers: Orphanet 140162, MedGen C0027672, MeSH D009386, MONDO:0015356.
Hereditary pheochromocytoma and paraganglioma. Also called: Hereditary paragangliomas and pheochromocytomas; Hereditary Paraganglioma-Pheochromocytoma Syndromes; Hereditary pheochromocytoma-paraganglioma. Identifiers: Orphanet 29072, MedGen C4274332, MONDO:0017366.

Submissions (2):

Labcorp Genetics (formerly Invitae), Labcorp
Classification: Uncertain significance for Hereditary pheochromocytoma and paraganglioma. Last evaluated: 2025-10-07. Review status: criteria provided, single submitter. Criteria: Invitae Variant Classification Sherloc (09022015). Collection method: clinical testing. Allele origin: germline.
Comment: This sequence change replaces histidine, which is basic and polar, with proline, which is neutral and non-polar, at codon 96 of the SDHAF2 protein (p.His96Pro). This variant is not present in population databases (gnomAD no frequency). This variant has not been reported in the literature in individuals affected with SDHAF2-related conditions. ClinVar contains an entry for this variant (Variation ID: 2821830). An algorithm developed to predict the effect of missense changes on protein structure and function (PolyPhen-2) suggests that this variant is likely to be tolerated. In summary, the available evidence is currently insufficient to determine the role of this variant in disease. Therefore, it has been classified as a Variant of Uncertain Significance.

Ambry Genetics
Classification: Uncertain significance for Hereditary cancer-predisposing syndrome. Last evaluated: 2024-05-19. Review status: criteria provided, single submitter. Criteria: Ambry Variant Classification Scheme 2023. Collection method: clinical testing. Allele origin: germline.
Comment: The p.H96P variant (also known as c.287A>C), located in coding exon 3 of the SDHAF2 gene, results from an A to C substitution at nucleotide position 287. The histidine at codon 96 is replaced by proline, an amino acid with similar properties. This amino acid position is conserved. In addition, this alteration is predicted to be tolerated by in silico analysis. Based on the available evidence, the clinical significance of this variant remains unclear.

NM_017841.4(SDHAF2):c.287A>C (p.His96Pro)

Gene: SDHAF2 (succinate dehydrogenase complex assembly factor 2; plus strand). Cytogenetic location: 11q12.2.
Variant type: single nucleotide variant.
Coding change: c.287A>C on transcript NM_017841.4 (MANE Select); coding-DNA position 287, A replaced by C.
Protein change: p.His96Pro; replaces histidine 96 with proline.
Molecular consequence: missense variant.
Genome position (GRCh38, 1-based): chr11:61,438,030, A>C. VCF-style: chr11-61438030-A-C. GRCh37 (hg19) VCF-style: chr11-61205502-A-C.
Other names: short protein forms H96P.
Identifiers: ClinVar variation 2821830 (VCV002821830.4), dbSNP rs2540124864, ClinGen allele CA380684067.